The following is an entry in ClinVar:

ClinVar aggregate classification (germline): Uncertain significance (1 of 4 stars; one submission).

Submission:

Labcorp Genetics (formerly Invitae), Labcorp
Classification: Uncertain significance. Last evaluated: 2021-07-16. Review status: criteria provided, single submitter. Criteria: Invitae Variant Classification Sherloc (09022015). Collection method: clinical testing. Allele origin: germline.
Comment: In summary, the available evidence is currently insufficient to determine the role of this variant in disease. Therefore, it has been classified as a Variant of Uncertain Significance. Algorithms developed to predict the effect of missense changes on protein structure and function are either unavailable or do not agree on the potential impact of this missense change (SIFT: "Tolerated"; PolyPhen-2: "Possibly Damaging"; Align-GVGD: "Class C0"). This variant has not been reported in the literature in individuals affected with RNF13-related conditions. This variant is not present in population databases (ExAC no frequency). This sequence change replaces valine with alanine at codon 286 of the RNF13 protein (p.Val286Ala). The valine residue is moderately conserved and there is a small physicochemical difference between valine and alanine.

NM_183381.3(RNF13):c.857T>C (p.Val286Ala)

Gene: RNF13 (ring finger protein 13; plus strand). Cytogenetic location: 3q25.1.
Variant type: single nucleotide variant.
Coding change: c.857T>C on transcript NM_183381.3 (MANE Select); coding-DNA position 857, T replaced by C.
Protein change: p.Val286Ala; replaces valine 286 with alanine.
Molecular consequence: missense variant. On other transcripts: non-coding transcript variant (1).
Genome position (GRCh38, 1-based): chr3:149,960,815, T>C. VCF-style: chr3-149960815-T-C. GRCh37 (hg19) VCF-style: chr3-149678602-T-C.
Other names: c.857T>C, p.Val286Ala (NM_001378285.1, NM_001378286.1, NM_007282.4); c.500T>C, p.Val167Ala (NM_001378287.1, NM_001378288.1, NM_001378289.1 and 2 more transcripts); c.464T>C, p.Val155Ala (NM_001378291.1); short protein forms V167A, V155A, V286A.
Identifiers: ClinVar variation 1505697 (VCV001505697.8), dbSNP rs1722331156, ClinGen allele CA354935663.
Genomic context (GRCh38, chr3:149,960,815, plus strand): 5'-GTGTAGACCCTTGGCTAACTAAAACCAAAAAAACCTGTCCAGTGTGCAAGCAAAAAGTTG[T>C]TCCTTCTCAAGGCGATTCAGACTCTGACACAGACAGTAGTCAAGAAGAAAATGAAGTGAC-3'
Protein context (NP_899237.1, residues 276-296): KTCPVCKQKV[Val286Ala]PSQGDSDSDT